The following is an entry in ClinVar:

ClinVar aggregate classification (germline): Uncertain significance (1 of 4 stars; one submission).

Conditions:
Atypical glycine encephalopathy. Also called: Glycine encephalopathy with normal serum glycine. Identifiers: Orphanet 289863, MedGen C4310943, MONDO:0015010, OMIM 617301.

Allele frequency attached by ClinVar (database versions not stated): gnomAD 0.00001; gnomAD exomes 0.00002; TOPMed 0.00002; ExAC 0.00004; ESP Exome Variant Server 0.00008.
gnomAD v4.1: 33 of 1,613,988 alleles (0.002%); highest among the groups gnomAD compares: Non-Finnish European, 0.0027%; no homozygotes.

Submission:

Labcorp Genetics (formerly Invitae), Labcorp
Classification: Uncertain significance for Atypical glycine encephalopathy. Last evaluated: 2022-02-08. Review status: criteria provided, single submitter. Criteria: Invitae Variant Classification Sherloc (09022015). Collection method: clinical testing. Allele origin: germline.
Comment: This sequence change replaces glutamic acid, which is acidic and polar, with lysine, which is basic and polar, at codon 338 of the SLC6A9 protein (p.Glu338Lys). In summary, the available evidence is currently insufficient to determine the role of this variant in disease. Therefore, it has been classified as a Variant of Uncertain Significance. Algorithms developed to predict the effect of missense changes on protein structure and function are either unavailable or do not agree on the potential impact of this missense change (SIFT: "Tolerated"; PolyPhen-2: "Possibly Damaging"; Align-GVGD: "Class C0"). This variant has not been reported in the literature in individuals affected with SLC6A9-related conditions. This variant is present in population databases (rs199830284, gnomAD 0.006%).

NM_001024845.3(SLC6A9):c.793G>A (p.Glu265Lys)

Gene: SLC6A9 (solute carrier family 6 member 9; minus strand). Cytogenetic location: 1p34.1.
Variant type: single nucleotide variant.
Coding change: c.793G>A on transcript NM_001024845.3 (MANE Select); coding-DNA position 793, G replaced by A.
Protein change: p.Glu265Lys; replaces glutamic acid 265 with lysine.
Molecular consequence: missense variant. On other transcripts: non-coding transcript variant (1).
Genome position (GRCh38, 1-based): chr1:44,002,577, C>T on the plus strand (G>A on the coding strand, the complement: SLC6A9 is on the minus strand). VCF-style: chr1-44002577-C-T. GRCh37 (hg19) VCF-style: chr1-44468249-C-T.
Other names: c.805G>A, p.Glu269Lys (NM_001261380.2); c.460G>A, p.Glu154Lys (NM_001328626.2, NM_001328630.2); c.730G>A, p.Glu244Lys (NM_001328627.1); c.598G>A, p.Glu200Lys (NM_001328628.1); c.793G>A, p.Glu265Lys (NM_001328629.1); c.850G>A, p.Glu284Lys (NM_006934.4); c.1012G>A, p.Glu338Lys (NM_201649.4); short protein forms E200K, E265K, E338K, E154K, E284K, E244K, E269K.
Identifiers: ClinVar variation 1398075 (VCV001398075.7), dbSNP rs199830284, ClinGen allele CA817698.